The following is an entry in ClinVar:

ClinVar aggregate classification (germline): Uncertain significance. Review status: criteria provided, multiple submitters, no conflicts (2 of 4 stars). 2 submissions from 2 submitters: Uncertain significance (2). Last evaluated 2024-01-11.

Conditions:
Rhabdoid tumor predisposition syndrome 2 (RTPS2). Identifiers: Orphanet 231108, Orphanet 69077, MedGen C2750074, MONDO:0013224, OMIM 613325.
Hereditary cancer-predisposing syndrome. Also called: Hereditary neoplastic syndrome; Neoplastic Syndromes, Hereditary; Tumor predisposition; Hereditary Cancer Syndrome. Identifiers: Orphanet 140162, MedGen C0027672, MeSH D009386, MONDO:0015356.

Allele frequency attached by ClinVar (database versions not stated): gnomAD exomes below 0.00001.
gnomAD v4.1: 1 of 1,613,760 alleles (0.000062%); highest among the groups gnomAD compares: East Asian, 0.0022%; no homozygotes.

Submissions (2):

Ambry Genetics
Classification: Uncertain significance for Hereditary cancer-predisposing syndrome. Last evaluated: 2024-01-11. Review status: criteria provided, single submitter. Criteria: Ambry Variant Classification Scheme 2023. Collection method: clinical testing. Allele origin: germline.
Comment: The p.I1069V variant (also known as c.3205A>G), located in coding exon 22 of the SMARCA4 gene, results from an A to G substitution at nucleotide position 3205. The isoleucine at codon 1069 is replaced by valine, an amino acid with highly similar properties. This amino acid position is not well conserved in available vertebrate species, and valine is the reference amino acid in other vertebrate species. In addition, this alteration is predicted to be tolerated by in silico analysis. Missense and in-frame variants in SMARCA4 are known to cause neurodevelopmental disorders; however, such associations with rhabdoid tumor predisposition syndrome including small cell carcinoma of the ovary-hypercalcemic type (SCCOHT) are exceedingly rare (Kosho T et al. Am J Med Genet C Semin Med Genet. 2014 Sep;166C(3):262-75; Jelinic P et al. Nat Genet. 2014 May;46(5):424-6). Based on the supporting evidence, the association of this alteration with Coffin-Siris syndrome is unknown; however, the association of this alteration with rhabdoid tumor predisposition syndrome is unlikely.

Labcorp Genetics (formerly Invitae), Labcorp
Classification: Uncertain significance for Rhabdoid tumor predisposition syndrome 2. Last evaluated: 2017-06-25. Review status: criteria provided, single submitter. Criteria: Invitae Variant Classification Sherloc (09022015). Collection method: clinical testing. Allele origin: germline.
Comment: This sequence change replaces isoleucine with valine at codon 1069 of the SMARCA4 protein (p.Ile1069Val). The isoleucine residue is highly conserved and there is a small physicochemical difference between isoleucine and valine. This variant is not present in population databases (ExAC no frequency). This variant has not been reported in the literature in individuals with SMARCA4-related disease. Algorithms developed to predict the effect of missense changes on protein structure and function (SIFT, PolyPhen-2, Align-GVGD) all suggest that this variant is likely to be tolerated, but these predictions have not been confirmed by published functional studies and their clinical significance is uncertain. In summary, the available evidence is currently insufficient to determine the role of this variant in disease. Therefore, it has been classified as a Variant of Uncertain Significance.

NM_003072.5(SMARCA4):c.3205A>G (p.Ile1069Val)

Gene: SMARCA4 (SWI/SNF related BAF chromatin remodeling complex subunit ATPase 4; plus strand). Cytogenetic location: 19p13.2.
Variant type: single nucleotide variant.
Coding change: c.3205A>G on transcript NM_003072.5 (MANE Select); coding-DNA position 3205, A replaced by G.
Protein change: p.Ile1069Val; replaces isoleucine 1069 with valine.
Molecular consequence: missense variant. On other transcripts: non-coding transcript variant (1).
Genome position (GRCh38, 1-based): chr19:11,026,336, A>G. VCF-style: chr19-11026336-A-G. GRCh37 (hg19) VCF-style: chr19-11137012-A-G.
Other names: c.3205A>G, p.Ile1069Val (NM_001128844.3, NM_001128845.2, NM_001128846.2 and 5 more transcripts); short protein forms I1069V.
Identifiers: ClinVar variation 470341 (VCV000470341.9), dbSNP rs1555781098, ClinGen allele CA404060141.
Genomic context (GRCh38, chr19:11,026,336, plus strand): 5'-GACCCCTCTCTCCTTGCCTTGCAGGAGTCCTTTTCCGAGCACTTGGGGTTCACTGGCGGC[A>G]TTGTCCAAGGGTGAGAAGCTTCCCAACTGGATGGGGTGGGCAGGTGGTCCACCCAGAGGT-3'
Protein context (NP_003063.2, residues 1059-1079): FSEHLGFTGG[Ile1069Val]VQGLDLYRAS